The following is an entry in ClinVar:

ClinVar aggregate classification (germline): Uncertain significance. Review status: criteria provided, multiple submitters, no conflicts (2 of 4 stars). 2 submissions from 2 submitters: Uncertain significance (2). Last evaluated 2024-01-03.

Conditions:
ZTTK syndrome (ZTTKS). Also called: ZTTK MULTIPLE CONGENITAL ANOMALIES-MENTAL RETARDATION SYNDROME; Zhu-Tokita-Takenouchi-Kim Syndrome. Identifiers: Orphanet 500150, MedGen C4310696, MONDO:0014936, OMIM 617140.
SON-related disorder. Also called: SON-related condition.

Allele frequency attached by ClinVar (database versions not stated): gnomAD exomes below 0.00001; ExAC 0.00001.
gnomAD v4.1: 2 of 1,572,338 alleles (0.00013%); highest among the groups gnomAD compares: South Asian, 0.0011%; no homozygotes.

Submissions (2):

Baylor Genetics
Classification: Uncertain significance for ZTTK syndrome. Last evaluated: 2024-01-03. Review status: criteria provided, single submitter. Criteria: ACMG Guidelines, 2015. Collection method: clinical testing. Allele origin: unknown.

PreventionGenetics, part of Exact Sciences
Classification: Uncertain significance for SON-related condition. Last evaluated: 2023-03-29. Review status: criteria provided, single submitter. Criteria: ACMG Guidelines, 2015. Collection method: clinical testing. Allele origin: germline.
Comment: The SON c.5956C>T variant is predicted to result in the amino acid substitution p.Arg1986Cys. To our knowledge, this variant has not been reported in the literature or in a large population database, indicating this variant is rare. At this time, the clinical significance of this variant is uncertain due to the absence of conclusive functional and genetic evidence.

NM_138927.4(SON):c.5956C>T (p.Arg1986Cys)

Gene: SON (SON DNA and RNA binding protein; plus strand). Cytogenetic location: 21q22.11.
Variant type: single nucleotide variant.
Coding change: c.5956C>T on transcript NM_138927.4 (MANE Select); coding-DNA position 5956, C replaced by T.
Protein change: p.Arg1986Cys; replaces arginine 1986 with cysteine.
Molecular consequence: missense variant. On other transcripts: non-coding transcript variant (1), intron variant (1).
Genome position (GRCh38, 1-based): chr21:33,555,187, C>T. VCF-style: chr21-33555187-C-T. GRCh37 (hg19) VCF-style: chr21-34927493-C-T.
Other names: c.5956C>T, p.Arg1986Cys (NM_001291411.2, NM_001412133.1, NM_032195.3 and 2 more transcripts); c.245-1969C>T (NM_001291412.3); short protein forms R1986C.
Identifiers: ClinVar variation 2635413 (VCV002635413.2), dbSNP rs772373513, ClinGen allele CA10009846.